The following is an entry in ClinVar:

NM_004656.4(BAP1):c.1474_1475del (p.Ser492fs)

Gene: BAP1 (BRCA1 associated deubiquitinase 1; minus strand). Cytogenetic location: 3p21.1.
Variant type: Microsatellite.
Coding change: c.1474_1475del on transcript NM_004656.4 (MANE Select); coding-DNA positions 1474 to 1475, 2 bases deleted (AG; older notation c.1474_1475delAG).
Protein change: p.Ser492fs; shifts the reading frame from serine 492.
Molecular consequence: frameshift variant.
Genome position (GRCh38, 1-based): chr3:52,403,670-52,403,671, CT deleted on the plus strand (AG on the coding strand, the reverse complement: BAP1 is on the minus strand); deleting any 2 consecutive bases within chr3:52,403,670-52,403,674 gives the same sequence; the c. name uses the placement nearest the transcript's 3' end. VCF-style (leftmost placement, unchanged base first): chr3-52403669-ACT-A. GRCh37 (hg19) VCF-style: chr3-52437685-ACT-A.
Other names: c.1474_1475delAG (NM_004656.2); short protein forms S492fs.
Identifiers: ClinVar variation 570763 (VCV000570763.8), dbSNP rs1559586782, ClinGen allele CA891842892.

ClinVar aggregate classification (germline): Pathogenic. Review status: criteria provided, multiple submitters, no conflicts (2 of 4 stars). 3 submissions from 3 submitters: Pathogenic (3). Last evaluated 2023-06-15.

Conditions:
Hereditary cancer-predisposing syndrome. Also called: Hereditary neoplastic syndrome; Tumor predisposition; Neoplastic Syndromes, Hereditary; Hereditary Cancer Syndrome. Identifiers: Orphanet 140162, MedGen C0027672, MeSH D009386, MONDO:0015356.
BAP1-related tumor predisposition syndrome (TPDS1). Also called: Tumor susceptibility linked to germline BAP1 mutations; TUMOR PREDISPOSITION SYNDROME 1; COMMON Syndrome; BAP1 tumor predisposition syndrome. Identifiers: Orphanet 289539, MedGen C3280492, MONDO:0013692, OMIM 614327.

Submissions (3):

Ambry Genetics
Classification: Pathogenic for Hereditary cancer-predisposing syndrome. Last evaluated: 2023-06-15. Review status: criteria provided, single submitter. Criteria: Ambry Variant Classification Scheme 2023. Collection method: clinical testing. Allele origin: germline.
Comment: The c.1474_1475delAG pathogenic mutation, located in coding exon 13 of the BAP1 gene, results from a deletion of two nucleotides at nucleotide positions 1474 to 1475, causing a translational frameshift with a predicted alternate stop codon (p.S492Yfs*6). This variant is considered to be rare based on population cohorts in the Genome Aggregation Database (gnomAD). This alteration is expected to result in loss of function by premature protein truncation or nonsense-mediated mRNA decay. As such, this alteration is interpreted as a disease-causing mutation.

Labcorp Genetics (formerly Invitae), Labcorp
Classification: Pathogenic for BAP1-related tumor predisposition syndrome. Last evaluated: 2023-04-28. Review status: criteria provided, single submitter. Criteria: Invitae Variant Classification Sherloc (09022015). Collection method: clinical testing. Allele origin: germline.
Comment: For these reasons, this variant has been classified as Pathogenic. ClinVar contains an entry for this variant (Variation ID: 570763). This variant has not been reported in the literature in individuals affected with BAP1-related conditions. This variant is not present in population databases (gnomAD no frequency). This sequence change creates a premature translational stop signal (p.Ser492Tyrfs*6) in the BAP1 gene. It is expected to result in an absent or disrupted protein product. Loss-of-function variants in BAP1 are known to be pathogenic (PMID: 21874000, 23684012).

Myriad Genetics, Inc.
Classification: Pathogenic for BAP1-related tumor predisposition syndrome. Last evaluated: 2023-01-10. Review status: criteria provided, single submitter. Criteria: Myriad Autosomal Dominant, Autosomal Recessive and X-Linked Classification Criteria (2023). Collection method: clinical testing. Allele origin: unknown.
Comment: This variant is considered pathogenic. This variant creates a frameshift predicted to result in premature protein truncation.

Literature cited by the submitters: PubMed 21874000 (cited by Labcorp Genetics (formerly Invitae), Labcorp); PubMed 23684012 (cited by Labcorp Genetics (formerly Invitae), Labcorp).